The following is an entry in ClinVar:

NM_000059.4(BRCA2):c.5733T>C (p.Asp1911=)

Gene: BRCA2 (BRCA2 DNA repair associated; plus strand). Cytogenetic location: 13q13.1.
Variant type: single nucleotide variant.
Coding change: c.5733T>C on transcript NM_000059.4 (MANE Select); coding-DNA position 5733, T replaced by C.
Protein change: p.Asp1911=; no amino-acid change (aspartic acid 1911 retained).
Molecular consequence: synonymous variant.
Genome position (GRCh38, 1-based): chr13:32,340,088, T>C. VCF-style: chr13-32340088-T-C. GRCh37 (hg19) VCF-style: chr13-32914225-T-C.
Identifiers: ClinVar variation 187375 (VCV000187375.19), dbSNP rs367823201, ClinGen allele CA023095.
Genomic context (GRCh38, chr13:32,340,088, plus strand): 5'-AGGTTGTTACGAGGCATTGGATGATTCAGAGGATATTCTTCATAACTCTCTAGATAATGA[T>C]GAATGTAGCACGCATTCACATAAGGTTTTTGCTGACATTCAGAGTGAAGAAATTTTACAA-3'
Protein context (NP_000050.3, residues 1901-1921): EDILHNSLDN[Asp1911=]ECSTHSHKVF

ClinVar aggregate classification (germline): Likely benign. Review status: reviewed by expert panel (3 of 4 stars). 4 submissions from 4 submitters: Likely benign (1). 3 of the submissions do not count toward it. Last evaluated 2017-06-29.

Conditions:
Hereditary breast ovarian cancer syndrome. Also called: Hereditary breast and ovarian cancer; Hereditary breast and ovarian cancer syndrome; Breast and ovarian cancer; Hereditary breast and ovarian cancer syndrome (HBOC); Hereditary breast and/or ovarian cancer syndrome; BRCA1- and BRCA2-Associated Hereditary Breast and Ovarian Cancer. Identifiers: Orphanet 145, MedGen C0677776, MeSH D061325, MONDO:0003582. Disease mechanism: loss of function.
Hereditary cancer-predisposing syndrome. Also called: Hereditary Cancer Syndrome; Neoplastic Syndromes, Hereditary; Tumor predisposition; Hereditary neoplastic syndrome. Identifiers: Orphanet 140162, MedGen C0027672, MeSH D009386, MONDO:0015356.
Breast-ovarian cancer, familial, susceptibility to, 2 (BROVCA2). Also called: BRCA2 Hereditary Breast and Ovarian Cancer. Identifiers: Orphanet 145, MedGen C2675520, MONDO:0012933, OMIM 612555. Disease mechanism: loss of function.

gnomAD v4.1: 5 of 1,613,912 alleles (0.00031%); highest among the groups gnomAD compares: Non-Finnish European, 0.00025%; no homozygotes.

Submissions (4):

Evidence-based Network for the Interpretation of Germline Mutant Alleles (ENIGMA)
Classification: Likely benign for Breast-ovarian cancer, familial, susceptibility to, 2. Last evaluated: 2017-06-29. Review status: reviewed by expert panel. Criteria: ENIGMA BRCA1/2 Classification Criteria (2017-06-29). Collection method: curation. Allele origin: germline.
Comment: Synonymous substitution variant, with low bioinformatic likelihood to result in a splicing aberration (Splicing prior probability 0.02).

Labcorp Genetics (formerly Invitae), Labcorp
Classification: Likely benign for Hereditary breast ovarian cancer syndrome. Last evaluated: 2026-01-09. Review status: criteria provided, single submitter. Criteria: Invitae Variant Classification Sherloc (09022015). Collection method: clinical testing. Allele origin: germline. Not counted in ClinVar's aggregate classification.

All of Us Research Program, National Institutes of Health
Classification: Likely benign for Breast-ovarian cancer, familial, susceptibility to, 2. Last evaluated: 2023-07-22. Review status: criteria provided, single submitter. Criteria: ACMG Guidelines, 2015. Collection method: clinical testing. Allele origin: germline. Inheritance: Autosomal dominant inheritance. Observed: 2 variant alleles, 2 heterozygotes. Not counted in ClinVar's aggregate classification.
Comment: This study involves interpretation of variants in research participants for the purpose of population health screening. Participant phenotype was not available at the time of variant classification. Additional details can be found in publication PMID: 35346344, PMCID: PMC8962531

Ambry Genetics
Classification: Likely benign for Hereditary cancer-predisposing syndrome. Last evaluated: 2014-12-08. Review status: criteria provided, single submitter. Criteria: Ambry Variant Classification Scheme 2023. Collection method: clinical testing. Allele origin: germline. Not counted in ClinVar's aggregate classification.